The following is an entry in ClinVar:

NM_015295.3(SMCHD1):c.4504G>A (p.Val1502Ile)

Gene: SMCHD1 (structural maintenance of chromosomes flexible hinge domain containing 1; plus strand). Cytogenetic location: 18p11.32.
Variant type: single nucleotide variant.
Coding change: c.4504G>A on transcript NM_015295.3 (MANE Select); coding-DNA position 4504, G replaced by A.
Protein change: p.Val1502Ile; replaces valine 1502 with isoleucine.
Molecular consequence: missense variant.
Genome position (GRCh38, 1-based): chr18:2,762,174, G>A. VCF-style: chr18-2762174-G-A. GRCh37 (hg19) VCF-style: chr18-2762172-G-A.
Other names: short protein forms V1502I.
Identifiers: ClinVar variation 2971593 (VCV002971593.3), dbSNP rs2510136994, ClinGen allele CA401695331.
Genomic context (GRCh38, chr18:2,762,174, plus strand): 5'-GAAGTCCTGCCTAATCAACCTGTGAAGTTAGTACCTAAAATTAAACCACCTACACCAGCT[G>A]TTTCAAATGTTCGCTCAGTTGCCAGTAGGACCTTGGTCAGAGATCTACATCTTAGTATCA-3'
Protein context (NP_056110.2, residues 1492-1512): VPKIKPPTPA[Val1502Ile]SNVRSVASRT

ClinVar aggregate classification (germline): Uncertain significance (1 of 4 stars; one submission).

Conditions:
Facioscapulohumeral muscular dystrophy 2 (FSHD2). Also called: MUSCULAR DYSTROPHY, FACIOSCAPULOHUMERAL, TYPE 1B; FACIOSCAPULOHUMERAL MUSCULAR DYSTROPHY 2, DIGENIC; FSHD2, DIGENIC. Identifiers: Orphanet 269, MedGen C1834671, MONDO:0008031, OMIM 158901.

Submission:

Labcorp Genetics (formerly Invitae), Labcorp
Classification: Uncertain significance for Facioscapulohumeral muscular dystrophy 2. Last evaluated: 2023-06-06. Review status: criteria provided, single submitter. Criteria: Invitae Variant Classification Sherloc (09022015). Collection method: clinical testing. Allele origin: germline.
Comment: In summary, the available evidence is currently insufficient to determine the role of this variant in disease. Therefore, it has been classified as a Variant of Uncertain Significance. Advanced modeling of protein sequence and biophysical properties (such as structural, functional, and spatial information, amino acid conservation, physicochemical variation, residue mobility, and thermodynamic stability) has been performed at Invitae for this missense variant, however the output from this modeling did not meet the statistical confidence thresholds required to predict the impact of this variant on SMCHD1 protein function. This variant has not been reported in the literature in individuals affected with SMCHD1-related conditions. This variant is not present in population databases (gnomAD no frequency). This sequence change replaces valine, which is neutral and non-polar, with isoleucine, which is neutral and non-polar, at codon 1502 of the SMCHD1 protein (p.Val1502Ile).